The following is an entry in ClinVar:

ClinVar aggregate classification (germline): Uncertain significance (1 of 4 stars; one submission).

Allele frequency attached by ClinVar (database versions not stated): gnomAD 0.00001; TOPMed 0.00001; gnomAD exomes 0.00002.
gnomAD v4.1: 20 of 1,612,496 alleles (0.0012%); highest among the groups gnomAD compares: Non-Finnish European, 0.0017%; no homozygotes.

Submission:

Labcorp Genetics (formerly Invitae), Labcorp
Classification: Uncertain significance. Last evaluated: 2017-07-26. Review status: criteria provided, single submitter. Criteria: Invitae Variant Classification Sherloc (09022015). Collection method: clinical testing. Allele origin: germline.
Comment: In summary, the available evidence is currently insufficient to determine the role of this variant in disease. Therefore, it has been classified as a Variant of Uncertain Significance. The current clinical and genetic evidence is not sufficient to establish whether loss-of-function variants in CDH15 cause disease. This variant has not been reported in the literature in individuals with CDH15-related disease. This variant is present in population databases (rs199724844, ExAC 0.002%). This sequence change creates a premature translational stop signal (p.Gln359*) in the CDH15 gene. It is expected to result in an absent or disrupted protein product.

NM_004933.3(CDH15):c.1075C>T (p.Gln359Ter)

Gene: CDH15 (cadherin 15; plus strand). Cytogenetic location: 16q24.3.
Variant type: single nucleotide variant.
Coding change: c.1075C>T on transcript NM_004933.3 (MANE Select); coding-DNA position 1075, C replaced by T.
Protein change: p.Gln359Ter; replaces glutamine 359 with a stop codon.
Molecular consequence: nonsense.
Genome position (GRCh38, 1-based): chr16:89,190,339, C>T. VCF-style: chr16-89190339-C-T. GRCh37 (hg19) VCF-style: chr16-89256747-C-T.
Other names: short protein forms Q359*.
Identifiers: ClinVar variation 1023973 (VCV001023973.6), dbSNP rs199724844, ClinGen allele CA8239136.